The following is an entry in ClinVar:

ClinVar aggregate classification (germline): Uncertain significance (1 of 4 stars; one submission).

Conditions:
Familial adenomatous polyposis 2. Also called: FAP type 2; MUTYH-associated polyposis; MUTYH-related attenuated familial adenomatous polyposis; MUTYH Polyposis; Adenomas, multiple colorectal; COLORECTAL ADENOMATOUS POLYPOSIS, AUTOSOMAL RECESSIVE. Identifiers: Orphanet 220460, Orphanet 247798, MedGen C3272841, MONDO:0012041, OMIM 608456.

Submission:

Labcorp Genetics (formerly Invitae), Labcorp
Classification: Uncertain significance for Familial adenomatous polyposis 2. Last evaluated: 2024-07-06. Review status: criteria provided, single submitter. Criteria: Invitae Variant Classification Sherloc (09022015). Collection method: clinical testing. Allele origin: germline.
Comment: This sequence change falls in intron 10 of the MUTYH gene. It does not directly change the encoded amino acid sequence of the MUTYH protein. It affects a nucleotide within the consensus splice site. This variant is not present in population databases (gnomAD no frequency). This variant has not been reported in the literature in individuals affected with MUTYH-related conditions. Variants that disrupt the consensus splice site are a relatively common cause of aberrant splicing (PMID: 17576681, 9536098). Algorithms developed to predict the effect of sequence changes on RNA splicing suggest that this variant may disrupt the consensus splice site. In summary, the available evidence is currently insufficient to determine the role of this variant in disease. Therefore, it has been classified as a Variant of Uncertain Significance.

Literature cited by the submitters: PubMed 17576681; PubMed 9536098.

NM_001048174.2(MUTYH):c.849+5G>A

Gene: MUTYH (mutY DNA glycosylase; minus strand). Cytogenetic location: 1p34.1.
Variant type: single nucleotide variant.
Coding change: c.849+5G>A on transcript NM_001048174.2 (MANE Select); 5 bases into the intron after coding-DNA position 849, G replaced by A.
Molecular consequence: intron variant.
Genome position (GRCh38, 1-based): chr1:45,332,161, C>T on the plus strand (G>A on the coding strand, the complement: MUTYH is on the minus strand). VCF-style: chr1-45332161-C-T. GRCh37 (hg19) VCF-style: chr1-45797833-C-T.
Other names: c.849+5G>A (NM_001407072.1, NM_001407073.1, NM_001048171.2 and 6 more transcripts); c.504+5G>A (NM_001350651.2, NM_001350650.2, NM_001407082.1); c.573+5G>A (NM_001293192.2, NM_001293196.2, NM_001407091.1); c.894+5G>A (NM_001293190.2); c.882+5G>A (NM_001407069.1, NM_001407077.1, NM_001293191.2); c.924+5G>A (NM_012222.3); c.933+5G>A (NM_001128425.2); c.852+5G>A (NM_001407071.1, NM_001048172.2, NM_001407078.1 and 1 more transcripts); and 5 more.
Identifiers: ClinVar variation 3658845 (VCV003658845.2).
Genomic context (GRCh38, chr1:45,332,161, plus strand): 5'-GTTGAGTGTCATAGGGCAGAGTCACTCCTTAGGACTTCTCACTGCCCCTTCCCCAGTAGG[C>T]TTACTCTCTGGCGTGCCCGGCACAGGCTCTCCACAGGGCACTGGCTGCACAGTGGGCGCT-3'